The following is an entry in ClinVar:

ClinVar aggregate classification (germline): Uncertain significance. Review status: criteria provided, multiple submitters, no conflicts (2 of 4 stars). 2 submissions from 2 submitters: Uncertain significance (2). Last evaluated 2023-05-17.

Allele frequency attached by ClinVar (database versions not stated): gnomAD exomes below 0.00001; ExAC 0.00001; gnomAD 0.00001; TOPMed 0.00001.
gnomAD v4.1: 4 of 1,606,212 alleles (0.00025%); highest among the groups gnomAD compares: Non-Finnish European, 0.00034%; no homozygotes.

Submissions (2):

Labcorp Genetics (formerly Invitae), Labcorp
Classification: Uncertain significance. Last evaluated: 2023-05-17. Review status: criteria provided, single submitter. Criteria: Invitae Variant Classification Sherloc (09022015). Collection method: clinical testing. Allele origin: germline.
Comment: In summary, the available evidence is currently insufficient to determine the role of this variant in disease. Therefore, it has been classified as a Variant of Uncertain Significance. An algorithm developed to predict the effect of missense changes on protein structure and function (PolyPhen-2) suggests that this variant is likely to be disruptive. ClinVar contains an entry for this variant (Variation ID: 1414406). This variant has not been reported in the literature in individuals affected with TAOK2-related conditions. This variant is present in population databases (rs35174880, gnomAD 0.002%). This sequence change replaces methionine, which is neutral and non-polar, with valine, which is neutral and non-polar, at codon 401 of the TAOK2 protein (p.Met401Val).

Ambry Genetics
Classification: Uncertain significance. Last evaluated: 2023-02-23. Review status: criteria provided, single submitter. Criteria: Ambry Variant Classification Scheme 2023. Collection method: clinical testing. Allele origin: germline.

NM_016151.4(TAOK2):c.1201A>G (p.Met401Val)

Gene: TAOK2 (TAO kinase 2; plus strand). Cytogenetic location: 16p11.2.
Variant type: single nucleotide variant.
Coding change: c.1201A>G on transcript NM_016151.4 (MANE Select); coding-DNA position 1201, A replaced by G.
Protein change: p.Met401Val; replaces methionine 401 with valine.
Molecular consequence: missense variant.
Genome position (GRCh38, 1-based): chr16:29,983,273, A>G. VCF-style: chr16-29983273-A-G. GRCh37 (hg19) VCF-style: chr16-29994594-A-G.
Other names: c.1201A>G, p.Met401Val (NM_001252043.2, NM_004783.4); c.1201A>G (NM_016151.2); short protein forms M401V.
Identifiers: ClinVar variation 1414406 (VCV001414406.7), dbSNP rs35174880, ClinGen allele CA7998070.